The following is an entry in ClinVar:

ClinVar aggregate classification (germline): Uncertain significance (1 of 4 stars; one submission).

Submission:

GeneDx
Classification: Uncertain significance. Last evaluated: 2024-05-15. Review status: criteria provided, single submitter. Criteria: GeneDx Variant Classification Process June 2021. Collection method: clinical testing. Allele origin: germline. Affected: yes.
Comment: Not observed at significant frequency in large population cohorts (gnomAD); In-frame insertion of 14 amino acids in a repetitive region with no known function; Has not been previously published as pathogenic or benign to our knowledge

NM_001374828.1(ARID1B):c.506ACCACCACCATGCCCACCACC[4] (p.His182_Leu183insHisHisHisHisAlaHisHisHisHisHisHisAlaHisHis)

Genes: ARID1B (AT-rich interaction domain 1B; plus strand), LOC115308161 (uncharacterized LOC115308161; minus strand). Cytogenetic location: 6q25.3.
Variant type: Microsatellite.
Coding change: c.506ACCACCACCATGCCCACCACC[4] on transcript NM_001374828.1 (MANE Select); four copies in a row of the 21-base unit ACCACCACCATGCCCACCACC starting at c.506; the reference has two copies in a row; two copies, 42 bases duplicated.
Protein change: p.His182_Leu183insHisHisHisHisAlaHisHisHisHisHisHisAlaHisHis.
Genome position (GRCh38, 1-based): chr6:156,778,186-156,778,227, 42 bases duplicated; duplicating any 42 consecutive bases within chr6:156,778,179-156,778,227 gives the same sequence; the position shown is the placement nearest the transcript's 3' end. GRCh37 (hg19), VCF-style position (the base before the change): chr6:157,099,312.
Other names: c.506ACCACCACCATGCCCACCACC[4], p.His182_Leu183insHisHisHisHisAlaHisHisHisHisHisHisAlaHisHis (NM_001371656.1, NM_001374820.1, NM_017519.3); c.257_298dup (NM_020732.3).
Identifiers: ClinVar variation 3378350 (VCV003378350.1).